The following is an entry in ClinVar:

ClinVar aggregate classification (germline): Uncertain significance (1 of 4 stars; one submission).

Submission:

Clinical Genomics Laboratory, Laboratory for Precision Diagnostics, University of Washington
Classification: Uncertain significance. Last evaluated: 2024-08-01. Review status: criteria provided, single submitter. Criteria: ACMG/ClinGen CNV Guidelines, 2019. Collection method: clinical testing. Allele origin: unknown. Affected: yes. Observed: 1 variant allele, 1 mosaic individual.
Comment: This mosaic duplication is approximately 414 kb in size and encompasses four protein-coding genes, including SHOX (OMIM 312865). The duplicated material is located within the pseudoautosomal region of the X and Y chromosomes, so this duplication may contain material from either the X or the Y. The data suggest that the duplication is present in about 75% of cells in this sample, which may not be the same as the percentage in other tissue types. This duplication includes four protein-coding genes but doesn't overlap any confirmed known triplosensitive genes or regions. A review of public databases and the medical literature shows few informative individuals. DECIPHER 259967 is a person who has a very similar duplication but who also has a pathogenic 1.58 Mb deletion of chromosome 3q29 that would explain their phenotypes of hyperactivity and psychosis. Duplications of variable size and breakpoints that overlap this region are reported in ClinVar. Duplications that contain SHOX appear in gnomAD, a database of healthy control people, at a frequency of 0.25%. SHOX encodes a nuclear homeodomain transcription factor involved in cell-cycle and growth regulation. SHOX is subject to complex regulation during development. Seven evolutionarily conserved non-coding elements (CNE) of SHOX transcription have been identified 250 kb upstream (CNE-5, CNE-3, CNE-2) and 200 kb downstream (CNE4, CNE5, ECR1/CNE7, ECS4/CNE9) of the gene coding sequence (see Figure 2, PMID: 27355317). Whole gene SHOX duplications are generally associated with normal or tall stature, but microduplications of SHOX and/or its enhancer elements have also been found in individuals with short stature (PMID: 21147883, PMID: 26040210, PMID: 36927524). This phenotypic variability could be due to variation in the size of the duplications and whether or not the upstream and downstream enhancers are included. The possible impact of this duplication on SHOX gene expression is unknown.

Literature cited by the submitters: PubMed 21147883; PubMed 36927524; PubMed 26040210; PubMed 27355317; PubMed 19938087; PubMed 26984564; PubMed 19533800.

GRCh38/hg38 Xp22.33(chrX:253138-667118)x2

Genes: CNE-2 (CNE-2 enhancer upstream of SHOX; plus strand), CNE-3 (CNE-3 enhancer upstream of SHOX; plus strand), CNE-5 (CNE-5 enhancer upstream of SHOX; plus strand), GTPBP6 (GTP binding protein 6; minus strand), LINC00685 (long independently transcribed non-coding RNA 685; plus strand) and 4 more. Cytogenetic location: Xp22.33.
Variant type: copy number gain.
Change: copy number 2 of chrX:253,138-667,118 (414.0 kb, GRCh38 coordinates, 1-based), cytogenetic band Xp22.33.
Identifiers: ClinVar variation 4974753 (VCV004974753.1).